The following is an entry in ClinVar:

NM_015425.6(POLR1A):c.1468G>A (p.Val490Met)

Gene: POLR1A (RNA polymerase I subunit A; minus strand). Cytogenetic location: 2p11.2.
Variant type: single nucleotide variant.
Coding change: c.1468G>A on transcript NM_015425.6 (MANE Select); coding-DNA position 1468, G replaced by A.
Protein change: p.Val490Met; replaces valine 490 with methionine.
Molecular consequence: missense variant.
Genome position (GRCh38, 1-based): chr2:86,075,173, C>T on the plus strand (G>A on the coding strand, the complement: POLR1A is on the minus strand). VCF-style: chr2-86075173-C-T. GRCh37 (hg19) VCF-style: chr2-86302296-C-T.
Other names: short protein forms V490M.
Identifiers: ClinVar variation 1937947 (VCV001937947.5), dbSNP rs1467873857, ClinGen allele CA347550670.

ClinVar aggregate classification (germline): Uncertain significance (1 of 4 stars; one submission).

Allele frequency attached by ClinVar (database versions not stated): gnomAD exomes 0.00001.
gnomAD v4.1: 8 of 1,613,594 alleles (0.0005%); highest among the groups gnomAD compares: Non-Finnish European, 0.00068%; no homozygotes.

Submission:

Labcorp Genetics (formerly Invitae), Labcorp
Classification: Uncertain significance. Last evaluated: 2021-12-17. Review status: criteria provided, single submitter. Criteria: Invitae Variant Classification Sherloc (09022015). Collection method: clinical testing. Allele origin: germline.
Comment: In summary, the available evidence is currently insufficient to determine the role of this variant in disease. Therefore, it has been classified as a Variant of Uncertain Significance. Algorithms developed to predict the effect of missense changes on protein structure and function are either unavailable or do not agree on the potential impact of this missense change (SIFT: "Not Available"; PolyPhen-2: "Benign"; Align-GVGD: "Not Available"). This variant has not been reported in the literature in individuals affected with POLR1A-related conditions. This variant is present in population databases (no rsID available, gnomAD 0.0009%). This sequence change replaces valine, which is neutral and non-polar, with methionine, which is neutral and non-polar, at codon 490 of the POLR1A protein (p.Val490Met).